The following is an entry in ClinVar:

NM_032043.3(BRIP1):c.384C>A (p.Ser128=)

Gene: BRIP1 (BRCA1 interacting DNA helicase 1; minus strand). Cytogenetic location: 17q23.2.
Variant type: single nucleotide variant.
Coding change: c.384C>A on transcript NM_032043.3 (MANE Select); coding-DNA position 384, C replaced by A.
Protein change: p.Ser128=; no amino-acid change (serine 128 retained).
Molecular consequence: synonymous variant.
Genome position (GRCh38, 1-based): chr17:61,849,252, G>T on the plus strand (C>A on the coding strand, the complement: BRIP1 is on the minus strand). VCF-style: chr17-61849252-G-T. GRCh37 (hg19) VCF-style: chr17-59926613-G-T.
Identifiers: ClinVar variation 506338 (VCV000506338.3), dbSNP rs1555616231, ClinGen allele CA501150936.

ClinVar aggregate classification (germline): Likely benign. Review status: criteria provided, multiple submitters, no conflicts (2 of 4 stars). 2 submissions from 2 submitters: Likely benign (2). Last evaluated 2022-01-19.

Conditions:
Hereditary cancer-predisposing syndrome. Also called: Neoplastic Syndromes, Hereditary; Hereditary Cancer Syndrome; Tumor predisposition; Hereditary neoplastic syndrome. Identifiers: Orphanet 140162, MedGen C0027672, MeSH D009386, MONDO:0015356.

Submissions (2):

Ambry Genetics
Classification: Likely benign for Hereditary cancer-predisposing syndrome. Last evaluated: 2022-01-19. Review status: criteria provided, single submitter. Criteria: Ambry Variant Classification Scheme 2023. Collection method: clinical testing. Allele origin: germline.

GeneDx
Classification: Likely benign. Last evaluated: 2017-03-28. Review status: criteria provided, single submitter. Criteria: GeneDx Variant Classification (06012015). Collection method: clinical testing. Allele origin: germline. Affected: yes.
Comment: This variant is considered likely benign or benign based on one or more of the following criteria: it is a conservative change, it occurs at a poorly conserved position in the protein, it is predicted to be benign by multiple in silico algorithms, and/or has population frequency not consistent with disease.